The following is an entry in ClinVar:

NM_003816.3(ADAM9):c.2071A>C (p.Met691Leu)

Gene: ADAM9 (ADAM metallopeptidase domain 9; plus strand). Cytogenetic location: 8p11.22.
Variant type: single nucleotide variant.
Coding change: c.2071A>C on transcript NM_003816.3 (MANE Select); coding-DNA position 2071, A replaced by C.
Protein change: p.Met691Leu; replaces methionine 691 with leucine.
Molecular consequence: missense variant. On other transcripts: non-coding transcript variant (2).
Genome position (GRCh38, 1-based): chr8:39,090,049, A>C. VCF-style: chr8-39090049-A-C. GRCh37 (hg19) VCF-style: chr8-38947568-A-C.
Other names: short protein forms M691L.
Identifiers: ClinVar variation 955205 (VCV000955205.6), dbSNP rs972542655, ClinGen allele CA175205177.

ClinVar aggregate classification (germline): Uncertain significance (1 of 4 stars; one submission).

Allele frequency attached by ClinVar (database versions not stated): gnomAD exomes below 0.00001.
gnomAD v4.1: 1 of 1,613,876 alleles (0.000062%); highest among the groups gnomAD compares: Non-Finnish European, 0.000085%; no homozygotes.

Submission:

Labcorp Genetics (formerly Invitae), Labcorp
Classification: Uncertain significance. Last evaluated: 2024-09-05. Review status: criteria provided, single submitter. Criteria: Invitae Variant Classification Sherloc (09022015). Collection method: clinical testing. Allele origin: germline.
Comment: This sequence change replaces methionine, which is neutral and non-polar, with leucine, which is neutral and non-polar, at codon 691 of the ADAM9 protein (p.Met691Leu). This variant is not present in population databases (gnomAD no frequency). This variant has not been reported in the literature in individuals affected with ADAM9-related conditions. ClinVar contains an entry for this variant (Variation ID: 955205). An algorithm developed to predict the effect of missense changes on protein structure and function (PolyPhen-2) suggests that this variant is likely to be tolerated. In summary, the available evidence is currently insufficient to determine the role of this variant in disease. Therefore, it has been classified as a Variant of Uncertain Significance.